The following is an entry in ClinVar:

ClinVar aggregate classification (germline): Uncertain significance (1 of 4 stars; one submission).

Conditions:
Polyglandular autoimmune syndrome, type 1 (APS1). Also called: AUTOIMMUNE POLYENDOCRINE SYNDROME, TYPE I, WITH OR WITHOUT REVERSIBLE METAPHYSEAL DYSPLASIA; APS I; HYPOADRENOCORTICISM WITH HYPOPARATHYROIDISM AND SUPERFICIAL MONILIASIS; Autoimmune polyendocrine syndrome type 1; Autoimmune polyendocrinopathy syndrome, type I; PGA I. Identifiers: Orphanet 3453, MedGen C0085859, MONDO:0009411, OMIM 240300.

Allele frequency attached by ClinVar (database versions not stated): gnomAD 0.00002; ExAC 0.00003; gnomAD exomes 0.00003; TOPMed 0.00003; ESP Exome Variant Server 0.00008.
gnomAD v4.1: 43 of 1,596,602 alleles (0.0027%); highest among the groups gnomAD compares: South Asian, 0.022%; no homozygotes.

Submission:

Labcorp Genetics (formerly Invitae), Labcorp
Classification: Uncertain significance for Polyglandular autoimmune syndrome, type 1. Last evaluated: 2025-03-10. Review status: criteria provided, single submitter. Criteria: Invitae Variant Classification Sherloc (09022015). Collection method: clinical testing. Allele origin: germline.
Comment: This sequence change replaces alanine, which is neutral and non-polar, with threonine, which is neutral and polar, at codon 451 of the AIRE protein (p.Ala451Thr). This variant is present in population databases (rs143059175, gnomAD 0.02%). This variant has not been reported in the literature in individuals affected with AIRE-related conditions. ClinVar contains an entry for this variant (Variation ID: 2076122). Invitae Evidence Modeling of protein sequence and biophysical properties (such as structural, functional, and spatial information, amino acid conservation, physicochemical variation, residue mobility, and thermodynamic stability) indicates that this missense variant is not expected to disrupt AIRE protein function with a negative predictive value of 95%. In summary, the available evidence is currently insufficient to determine the role of this variant in disease. Therefore, it has been classified as a Variant of Uncertain Significance.

NM_000383.4(AIRE):c.1351G>A (p.Ala451Thr)

Gene: AIRE (autoimmune regulator; plus strand). Cytogenetic location: 21q22.3.
Variant type: single nucleotide variant.
Coding change: c.1351G>A on transcript NM_000383.4 (MANE Select); coding-DNA position 1351, G replaced by A.
Protein change: p.Ala451Thr; replaces alanine 451 with threonine.
Molecular consequence: missense variant.
Genome position (GRCh38, 1-based): chr21:44,293,861, G>A. VCF-style: chr21-44293861-G-A. GRCh37 (hg19) VCF-style: chr21-45713744-G-A.
Other names: short protein forms A451T.
Identifiers: ClinVar variation 2076122 (VCV002076122.3), dbSNP rs143059175, ClinGen allele CA10052073.
Genomic context (GRCh38, chr21:44,293,861, plus strand): 5'-GGTGCGCGTTGCGGGGTGTGCGGAGATGGTACGGACGTGCTGCGGTGTACTCACTGCGCC[G>A]CTGCCTTCCACTGGCGCTGCCACTTCCCAGCCGGCACCTCCCGGCCCGGGTGAGTGAGCG-3'
Protein context (NP_000374.1, residues 441-461): TDVLRCTHCA[Ala451Thr]AFHWRCHFPA